The following is an entry in ClinVar:

NM_001927.4(DES):c.1120A>T (p.Ile374Phe)

Gene: DES (desmin; plus strand). Cytogenetic location: 2q35.
Variant type: single nucleotide variant.
Coding change: c.1120A>T on transcript NM_001927.4 (MANE Select); coding-DNA position 1120, A replaced by T.
Protein change: p.Ile374Phe; replaces isoleucine 374 with phenylalanine.
Molecular consequence: missense variant. On other transcripts: intron variant (1).
Genome position (GRCh38, 1-based): chr2:219,421,436, A>T. VCF-style: chr2-219421436-A-T. GRCh37 (hg19) VCF-style: chr2-220286158-A-T.
Other names: c.1117A>T, p.Ile373Phe (NM_001382708.1); c.1051A>T, p.Ile351Phe (NM_001382710.1); c.1099A>T, p.Ile367Phe (NM_001382711.1); c.1120A>T, p.Ile374Phe (NM_001382712.1); c.850A>T, p.Ile284Phe (NM_001382713.1); c.736-48A>T (NM_001382709.1); short protein forms I284F, I351F, I367F, I373F, I374F.
Identifiers: ClinVar variation 4685336 (VCV004685336.1).

ClinVar aggregate classification (germline): Uncertain significance (1 of 4 stars; one submission).

Submission:

GeneDx
Classification: Uncertain significance. Last evaluated: 2025-07-09. Review status: criteria provided, single submitter. Criteria: GeneDx Variant Classification Process June 2021. Collection method: clinical testing. Allele origin: germline. Affected: yes.
Comment: Not observed at significant frequency in large population cohorts (gnomAD); In silico analysis supports that this missense variant has a deleterious effect on protein structure/function; Has not been previously published as pathogenic or benign to our knowledge; This variant is associated with the following publications: (PMID: 26807690)